The following is an entry in ClinVar:

ClinVar aggregate classification (germline): Uncertain significance. Review status: criteria provided, multiple submitters, no conflicts (2 of 4 stars). 2 submissions from 2 submitters: Uncertain significance (2). Last evaluated 2026-07-06.

Conditions:
MAGEL2-related disorder. Also called: MAGEL2-related condition.

Submissions (2):

PreventionGenetics, part of Exact Sciences
Classification: Uncertain significance for MAGEL2-related condition. Last evaluated: 2026-07-06. Review status: criteria provided, single submitter. Criteria: ACMG Guidelines, 2015. Collection method: clinical testing. Allele origin: germline.
Comment: The MAGEL2 c.698C>A variant is predicted to result in the amino acid substitution p.Pro233Gln. To our knowledge, this variant has not been reported in the literature or in a large population database (gnomAD), indicating this variant is rare. At this time, the clinical significance of this variant is uncertain due to the absence of conclusive functional and genetic evidence.

Labcorp Genetics (formerly Invitae), Labcorp
Classification: Uncertain significance. Last evaluated: 2024-12-02. Review status: criteria provided, single submitter. Criteria: Invitae Variant Classification Sherloc (09022015). Collection method: clinical testing. Allele origin: germline.
Comment: This sequence change replaces proline, which is neutral and non-polar, with glutamine, which is neutral and polar, at codon 233 of the MAGEL2 protein (p.Pro233Gln). This variant is not present in population databases (gnomAD no frequency). This variant has not been reported in the literature in individuals affected with MAGEL2-related conditions. Experimental studies and prediction algorithms are not available or were not evaluated, and the functional significance of this variant is currently unknown. In summary, the available evidence is currently insufficient to determine the role of this variant in disease. Therefore, it has been classified as a Variant of Uncertain Significance.

NM_019066.5(MAGEL2):c.698C>A (p.Pro233Gln)

Gene: MAGEL2 (MAGE family member L2; minus strand). Cytogenetic location: 15q11.2.
Variant type: single nucleotide variant.
Coding change: c.698C>A on transcript NM_019066.5 (MANE Select); coding-DNA position 698, C replaced by A.
Protein change: p.Pro233Gln; replaces proline 233 with glutamine.
Molecular consequence: missense variant.
Genome position (GRCh38, 1-based): chr15:23,647,045, G>T on the plus strand (C>A on the coding strand, the complement: MAGEL2 is on the minus strand). VCF-style: chr15-23647045-G-T. GRCh37 (hg19) VCF-style: chr15-23892192-G-T.
Other names: c.698C>A (NM_019066.4); short protein forms P233Q.
Identifiers: ClinVar variation 3696880 (VCV003696880.3).